The following is an entry in ClinVar:

ClinVar aggregate classification (germline): Uncertain significance (1 of 4 stars; one submission).

Allele frequency attached by ClinVar (database versions not stated): TOPMed below 0.00001; gnomAD 0.00001; gnomAD exomes 0.00002; ExAC 0.00007.
gnomAD v4.1: 15 of 1,613,172 alleles (0.00093%); highest among the groups gnomAD compares: Admixed American, 0.0067%; no homozygotes.

Submission:

Ambry Genetics
Classification: Uncertain significance. Last evaluated: 2023-11-24. Review status: criteria provided, single submitter. Criteria: Ambry Variant Classification Scheme 2023. Collection method: clinical testing. Allele origin: germline.
Comment: The p.I1859F variant (also known as c.5575A>T), located in coding exon 16 of the POLQ gene, results from an A to T substitution at nucleotide position 5575. The isoleucine at codon 1859 is replaced by phenylalanine, an amino acid with highly similar properties. This amino acid position is conserved. In addition, this alteration is predicted to be tolerated by in silico analysis. Since supporting evidence is limited at this time, the clinical significance of this alteration remains unclear.

NM_199420.4(POLQ):c.5575A>T (p.Ile1859Phe)

Gene: POLQ (DNA polymerase theta; minus strand). Cytogenetic location: 3q13.33.
Variant type: single nucleotide variant.
Coding change: c.5575A>T on transcript NM_199420.4 (MANE Select); coding-DNA position 5575, A replaced by T.
Protein change: p.Ile1859Phe; replaces isoleucine 1859 with phenylalanine.
Molecular consequence: missense variant.
Genome position (GRCh38, 1-based): chr3:121,487,356, T>A on the plus strand (A>T on the coding strand, the complement: POLQ is on the minus strand). VCF-style: chr3-121487356-T-A. GRCh37 (hg19) VCF-style: chr3-121206203-T-A.
Other names: short protein forms I1859F.
Identifiers: ClinVar variation 1748386 (VCV001748386.2), dbSNP rs754291756, ClinGen allele CA2562697.